The following is an entry in ClinVar:

ClinVar aggregate classification (germline): Uncertain significance (1 of 4 stars; one submission).

Allele frequency attached by ClinVar (database versions not stated): ExAC 0.00002.
gnomAD v4.1: 3 of 1,613,078 alleles (0.00019%); highest among the groups gnomAD compares: Non-Finnish European, 0.00025%; no homozygotes.

Submission:

Labcorp Genetics (formerly Invitae), Labcorp
Classification: Uncertain significance. Last evaluated: 2025-03-11. Review status: criteria provided, single submitter. Criteria: Invitae Variant Classification Sherloc (09022015). Collection method: clinical testing. Allele origin: germline.
Comment: This sequence change replaces proline, which is neutral and non-polar, with threonine, which is neutral and polar, at codon 754 of the TNFAIP3 protein (p.Pro754Thr). This variant is present in population databases (rs779794658, gnomAD 0.003%). This variant has not been reported in the literature in individuals affected with TNFAIP3-related conditions. ClinVar contains an entry for this variant (Variation ID: 3008280). An algorithm developed to predict the effect of missense changes on protein structure and function outputs the following: PolyPhen-2: "Benign". The threonine amino acid residue is found in multiple mammalian species, which suggests that this missense change does not adversely affect protein function. In summary, the available evidence is currently insufficient to determine the role of this variant in disease. Therefore, it has been classified as a Variant of Uncertain Significance.

NM_001270508.2(TNFAIP3):c.2260C>A (p.Pro754Thr)

Gene: TNFAIP3 (TNF alpha induced protein 3; plus strand). Cytogenetic location: 6q23.3.
Variant type: single nucleotide variant.
Coding change: c.2260C>A on transcript NM_001270508.2 (MANE Select); coding-DNA position 2260, C replaced by A.
Protein change: p.Pro754Thr; replaces proline 754 with threonine.
Molecular consequence: missense variant.
Genome position (GRCh38, 1-based): chr6:137,881,206, C>A. VCF-style: chr6-137881206-C-A. GRCh37 (hg19) VCF-style: chr6-138202343-C-A.
Other names: c.2260C>A, p.Pro754Thr (NM_001270507.2, NM_006290.4); short protein forms P754T.
Identifiers: ClinVar variation 3008280 (VCV003008280.3), dbSNP rs779794658, ClinGen allele CA4019827.